The following is an entry in ClinVar:

NM_004415.4(DSP):c.2033A>G (p.Gln678Arg)

Gene: DSP (desmoplakin; plus strand). Cytogenetic location: 6p24.3.
Variant type: single nucleotide variant.
Coding change: c.2033A>G on transcript NM_004415.4 (MANE Select); coding-DNA position 2033, A replaced by G.
Protein change: p.Gln678Arg; replaces glutamine 678 with arginine.
Molecular consequence: missense variant.
Genome position (GRCh38, 1-based): chr6:7,571,971, A>G. VCF-style: chr6-7571971-A-G. GRCh37 (hg19) VCF-style: chr6-7572204-A-G.
Other names: c.2033A>G, p.Gln678Arg (NM_001008844.3, NM_001319034.2); short protein forms Q678R.
Identifiers: ClinVar variation 2064904 (VCV002064904.6), dbSNP rs112764594, ClinGen allele CA133960429.

ClinVar aggregate classification (germline): Conflicting classifications of pathogenicity. Review status: criteria provided, conflicting classifications (1 of 4 stars). 3 submissions from 3 submitters: Uncertain significance (1); Likely benign (2). Last evaluated 2025-11-27.

Conditions:
Arrhythmogenic cardiomyopathy with wooly hair and keratoderma. Also called: Carvajal syndrome; Dilated cardiomyopathy with woolly hair and keratoderma; Arrhythmogenic cardiomyopathy with woolly hair and keratoderma; PALMOPLANTAR KERATODERMA WITH LEFT VENTRICULAR CARDIOMYOPATHY AND WOOLLY HAIR. Identifiers: Orphanet 65282, MedGen C1854063, MONDO:0011581, OMIM 605676.
Arrhythmogenic right ventricular dysplasia 8 (ARVD8). Also called: Arrhythmogenic Right Ventricular Dysplasia/Cardiomyopathy 8; ARRHYTHMOGENIC RIGHT VENTRICULAR DYSPLASIA, FAMILIAL, 8; ARRHYTHMOGENIC RIGHT VENTRICULAR CARDIOMYOPATHY 8. Identifiers: MedGen C1843896, MONDO:0011831, OMIM 607450.
Cardiomyopathy (CMYO). Also called: Cardiomyopathies. Identifiers: Orphanet 167848, MedGen C0878544, MONDO:0004994, HP:0001638. Inheritance: Various modes of inheritance.

Allele frequency attached by ClinVar (database versions not stated): gnomAD exomes 0.00001; TOPMed 0.00002; gnomAD 0.00003.
gnomAD v4.1: 37 of 1,614,220 alleles (0.0023%); highest among the groups gnomAD compares: African/African-American, 0.02%; no homozygotes.

Submissions (3):

Labcorp Genetics (formerly Invitae), Labcorp
Classification: Likely benign for Arrhythmogenic cardiomyopathy with wooly hair and keratoderma; Arrhythmogenic right ventricular dysplasia 8. Last evaluated: 2025-11-27. Review status: criteria provided, single submitter. Criteria: Invitae Variant Classification Sherloc (09022015). Collection method: clinical testing. Allele origin: germline.

Color Diagnostics, LLC DBA Color Health
Classification: Likely benign for Cardiomyopathy. Last evaluated: 2024-10-07. Review status: criteria provided, single submitter. Criteria: ACMG Guidelines, 2015. Collection method: clinical testing. Allele origin: germline.

All of Us Research Program, National Institutes of Health
Classification: Uncertain significance for Arrhythmogenic cardiomyopathy with wooly hair and keratoderma. Last evaluated: 2024-01-11. Review status: criteria provided, single submitter. Criteria: ACMG Guidelines, 2015. Collection method: clinical testing. Allele origin: germline. Inheritance: Autosomal dominant inheritance. Observed: 2 variant alleles, 2 heterozygotes.
Comment: This missense variant replaces glutamine with arginine at codon 678 of the DSP protein. Computational prediction suggests that this variant may not impact protein structure and function (internally defined REVEL score threshold <= 0.5, PMID: 27666373). To our knowledge, functional studies have not been reported for this variant. This variant has not been reported in individuals affected with DSP-related disorders in the literature. This variant has been identified in 2/251242 chromosomes in the general population by the Genome Aggregation Database (gnomAD). The available evidence is insufficient to determine the role of this variant in disease conclusively. Therefore, this variant is classified as a Variant of Uncertain Significance.

This study involves interpretation of variants in research participants for the purpose of population health screening. Participant phenotype was not available at the time of variant classification. Additional details can be found in publication PMID: 35346344, PMCID: PMC8962531